The following is an entry in ClinVar:

NM_000091.5(COL4A3):c.1736T>C (p.Leu579Ser)

Genes: COL4A3 (collagen type IV alpha 3 chain; plus strand), MFF-DT (MFF divergent transcript; minus strand). Cytogenetic location: 2q36.3.
Variant type: single nucleotide variant.
Coding change: c.1736T>C on transcript NM_000091.5 (MANE Select); coding-DNA position 1736, T replaced by C.
Protein change: p.Leu579Ser; replaces leucine 579 with serine.
Molecular consequence: missense variant.
Genome position (GRCh38, 1-based): chr2:227,270,930, T>C. VCF-style: chr2-227270930-T-C. GRCh37 (hg19) VCF-style: chr2-228135646-T-C.
Other names: short protein forms L579S.
Identifiers: ClinVar variation 3612455 (VCV003612455.3).

ClinVar aggregate classification (germline): Uncertain significance. Review status: criteria provided, multiple submitters, no conflicts (2 of 4 stars). 2 submissions from 2 submitters: Uncertain significance (2). Last evaluated 2026-03-10.

Conditions:
Inborn genetic diseases. Identifiers: MedGen C0950123, MeSH D030342.

gnomAD v4.1: 5 of 1,614,044 alleles (0.00031%); highest among the groups gnomAD compares: African/African-American, 0.0013%; no homozygotes.

Submissions (2):

Ambry Genetics
Classification: Uncertain significance for Inborn genetic diseases. Last evaluated: 2026-03-10. Review status: criteria provided, single submitter. Criteria: Ambry Variant Classification Scheme 2023. Collection method: clinical testing. Allele origin: germline.

Labcorp Genetics (formerly Invitae), Labcorp
Classification: Uncertain significance. Last evaluated: 2024-09-02. Review status: criteria provided, single submitter. Criteria: Invitae Variant Classification Sherloc (09022015). Collection method: clinical testing. Allele origin: germline.
Comment: This sequence change replaces leucine, which is neutral and non-polar, with serine, which is neutral and polar, at codon 579 of the COL4A3 protein (p.Leu579Ser). This variant is not present in population databases (gnomAD no frequency). This variant has not been reported in the literature in individuals affected with COL4A3-related conditions. Invitae Evidence Modeling of protein sequence and biophysical properties (such as structural, functional, and spatial information, amino acid conservation, physicochemical variation, residue mobility, and thermodynamic stability) indicates that this missense variant is not expected to disrupt COL4A3 protein function with a negative predictive value of 95%. In summary, the available evidence is currently insufficient to determine the role of this variant in disease. Therefore, it has been classified as a Variant of Uncertain Significance.